The following is an entry in ClinVar:

NM_012275.3(IL36RN):c.349C>G (p.Pro117Ala)

Gene: IL36RN (interleukin 36 receptor antagonist; plus strand). Cytogenetic location: 2q14.1.
Variant type: single nucleotide variant.
Coding change: c.349C>G on transcript NM_012275.3 (MANE Select); coding-DNA position 349, C replaced by G.
Protein change: p.Pro117Ala; replaces proline 117 with alanine.
Molecular consequence: missense variant.
Genome position (GRCh38, 1-based): chr2:113,062,558, C>G. VCF-style: chr2-113062558-C-G. GRCh37 (hg19) VCF-style: chr2-113820135-C-G.
Other names: c.349C>G, p.Pro117Ala (NM_173170.1); c.349C>G (NM_012275.2); short protein forms P117A.
Identifiers: ClinVar variation 1010242 (VCV001010242.6), dbSNP rs780273771, ClinGen allele CA1838445.

ClinVar aggregate classification (germline): Uncertain significance. Review status: criteria provided, multiple submitters, no conflicts (2 of 4 stars). 2 submissions from 2 submitters: Uncertain significance (2). Last evaluated 2024-03-07.

Conditions:
Inborn genetic diseases. Identifiers: MedGen C0950123, MeSH D030342.
Generalized pustular psoriasis. Identifiers: Orphanet 247353, MedGen C0343055, MONDO:0100491.

Allele frequency attached by ClinVar (database versions not stated): TOPMed 0.00001; ExAC 0.00002; gnomAD exomes 0.00002 and 0.00004.
gnomAD v4.1: 9 of 1,614,042 alleles (0.00056%); highest among the groups gnomAD compares: Admixed American, 0.013%; no homozygotes.

Submissions (2):

Ambry Genetics
Classification: Uncertain significance for Inborn genetic diseases. Last evaluated: 2024-03-07. Review status: criteria provided, single submitter. Criteria: Ambry Variant Classification Scheme 2023. Collection method: clinical testing. Allele origin: germline.

Labcorp Genetics (formerly Invitae), Labcorp
Classification: Uncertain significance for Generalized pustular psoriasis. Last evaluated: 2022-05-04. Review status: criteria provided, single submitter. Criteria: Invitae Variant Classification Sherloc (09022015). Collection method: clinical testing. Allele origin: germline.
Comment: This sequence change replaces proline, which is neutral and non-polar, with alanine, which is neutral and non-polar, at codon 117 of the IL36RN protein (p.Pro117Ala). This variant is present in population databases (rs780273771, gnomAD 0.02%). This variant has not been reported in the literature in individuals affected with IL36RN-related conditions. ClinVar contains an entry for this variant (Variation ID: 1010242). Algorithms developed to predict the effect of missense changes on protein structure and function (SIFT, PolyPhen-2, Align-GVGD) all suggest that this variant is likely to be disruptive. In summary, the available evidence is currently insufficient to determine the role of this variant in disease. Therefore, it has been classified as a Variant of Uncertain Significance.